The following is an entry in ClinVar:

NM_004004.6(GJB2):c.9G>A (p.Trp3Ter)

Gene: GJB2 (gap junction protein beta 2; minus strand). Cytogenetic location: 13q12.11.
Variant type: single nucleotide variant.
Coding change: c.9G>A on transcript NM_004004.6 (MANE Select); coding-DNA position 9, G replaced by A.
Protein change: p.Trp3Ter; replaces tryptophan 3 with a stop codon.
Molecular consequence: nonsense.
Genome position (GRCh38, 1-based): chr13:20,189,573, C>T on the plus strand (G>A on the coding strand, the complement: GJB2 is on the minus strand). VCF-style: chr13-20189573-C-T. GRCh37 (hg19) VCF-style: chr13-20763712-C-T.
Other names: short protein forms W3*.
Identifiers: ClinVar variation 44767 (VCV000044767.22), dbSNP rs111033401, ClinGen allele CA261655.

ClinVar aggregate classification (germline): Pathogenic/Likely pathogenic. Review status: criteria provided, multiple submitters, no conflicts (2 of 4 stars). 9 submissions from 9 submitters: Pathogenic (6); Likely pathogenic (1). 2 of the submissions do not count toward it. Last evaluated 2025-08-21.

Conditions:
Rare genetic deafness. Identifiers: Orphanet 96210, MedGen C5680250.
Ichthyosis, hystrix-like, with hearing loss. Also called: Hystrix-like ichthyosis with deafness. Identifiers: Orphanet 477, MedGen C1865234, MONDO:0011245.
Palmoplantar keratoderma-deafness syndrome. Also called: Keratoderma palmoplantar, with deafness; Palmoplantar keratoderma and sensorineural deafness; Hereditary palmoplantar keratoderma with deafness (subtype); Focal palmoplantar keratoderma with sensorineural deafness (subtype); Diffuse palmoplantar keratoderma with deafness (subtype). Identifiers: Orphanet 2202, MedGen C1835672, MONDO:0007852, OMIM 148350.
Knuckle pads, deafness AND leukonychia syndrome. Also called: Bart-Pumphrey syndrome. Identifiers: Orphanet 2698, MedGen C0266004, MONDO:0007866, OMIM 149200.
X-linked mixed hearing loss with perilymphatic gusher. Also called: Gusher syndrome; NANCE DEAFNESS; PERILYMPHATIC GUSHER-DEAFNESS SYNDROME; SENSORINEURAL DEAFNESS, PROFOUND, WITH OR WITHOUT A CONDUCTIVE COMPONENT, ASSOCIATED WITH A UNIQUE DEVELOPMENTAL ABNORMALITY OF THE EAR; Deafness, X-linked 2. Identifiers: Orphanet 383, MedGen C1844678, MONDO:0010576, OMIM 304400.
Mutilating keratoderma (VOWNKL). Also called: Keratoderma hereditarium mutilans. Identifiers: Orphanet 494, MedGen C0265964, MONDO:0007422, OMIM 124500.
Autosomal recessive nonsyndromic hearing loss 1A (DFNB1A). Also called: Connexin 26 deafness; Deafness nonsyndromic, Connexin 26 linked; GJB6-Related DFNB 1 Nonsyndromic Hearing Loss and Deafness; Deafness, autosomal recessive 1A; Nonsyndromic Hearing Loss and Deafness, DFNB1; GJB2-Related Autosomal Recessive Nonsyndromic Hearing Loss. Identifiers: Orphanet 90636, MedGen C2673759, MONDO:0009076, OMIM 220290.
Autosomal dominant keratitis-ichthyosis-hearing loss syndrome. Also called: Senter syndrome; KID SYNDROME, AUTOSOMAL DOMINANT; HID SYNDROME. Identifiers: Orphanet 477, MedGen C0265336, MONDO:0007850, OMIM 148210.
Autosomal dominant nonsyndromic hearing loss 3A. Identifiers: Orphanet 90635, MedGen C2675750, MONDO:0011103, OMIM 601544.
Nonsyndromic genetic hearing loss. Also called: Nonsyndromic hearing loss and deafness; Non-syndromic genetic deafness; Nonsyndromic genetic deafness. Identifiers: Orphanet 87884, MedGen C5680182, MONDO:0019497.

Submissions (9):

Natera, Inc.
Classification: Pathogenic for Autosomal recessive deafness type 1A. Last evaluated: 2025-08-21. Review status: criteria provided, single submitter. Criteria: Natera Variant Classification Schema (03/2026). Collection method: clinical testing. Allele origin: germline.
Comment: The c.9G>A variant in GJB2 is a nonsense variant predicted to introduce a stop codon at amino acid 3. This variant is expected to result in nonsense mediated decay, truncation, or a dysfunctional protein product. This variant is rare in the general population with a frequency below the threshold expected for the associated phenotype(s). This variant has been observed in one or more individuals affected with the associated recessive disease, as either homozygous or compound heterozygous with a second variant (PMID: 26095810). Given the available evidence, this variant is classified as Pathogenic.

Labcorp Genetics (formerly Invitae), Labcorp
Classification: Pathogenic. Last evaluated: 2024-01-25. Review status: criteria provided, single submitter. Criteria: Invitae Variant Classification Sherloc (09022015). Collection method: clinical testing. Allele origin: germline.
Comment: This sequence change creates a premature translational stop signal (p.Trp3*) in the GJB2 gene. While this is not anticipated to result in nonsense mediated decay, it is expected to disrupt the last 224 amino acid(s) of the GJB2 protein. This variant is not present in population databases (gnomAD no frequency). This premature translational stop signal has been observed in individuals with non-syndromic deafness (PMID: 21488715, 28383030). ClinVar contains an entry for this variant (Variation ID: 44767). This variant disrupts a region of the GJB2 protein in which other variant(s) (p.Cys211Leufs*5) have been determined to be pathogenic (PMID: 9529365, 12910486, 20863150). This suggests that this is a clinically significant region of the protein, and that variants that disrupt it are likely to be disease-causing. For these reasons, this variant has been classified as Pathogenic.

MGZ Medical Genetics Center
Classification: Pathogenic for Autosomal recessive nonsyndromic hearing loss 1A. Last evaluated: 2022-05-17. Review status: criteria provided, single submitter. Criteria: ACMG Guidelines, 2015. Collection method: clinical testing. Allele origin: germline. Affected: yes. Observed: 1 variant allele.
Comment: ACMG criteria applied: PVS1, PS4, PM3, PM2_SUP

Fulgent Genetics
Classification: Pathogenic for Mutilating keratoderma; Autosomal dominant keratitis-ichthyosis-hearing loss syndrome; Palmoplantar keratoderma-deafness syndrome; Knuckle pads, deafness AND leukonychia syndrome; Autosomal recessive nonsyndromic hearing loss 1A; X-linked mixed hearing loss with perilymphatic gusher; Autosomal dominant nonsyndromic hearing loss 3A. Last evaluated: 2021-12-27. Review status: criteria provided, single submitter. Criteria: ACMG Guidelines, 2015. Collection method: clinical testing. Allele origin: unknown.

Women's Health and Genetics/Laboratory Corporation of America, LabCorp
Classification: Pathogenic for Nonsyndromic genetic hearing loss. Last evaluated: 2021-02-01. Review status: criteria provided, single submitter. Criteria: LabCorp Variant Classification Summary - May 2015. Collection method: clinical testing. Allele origin: germline.
Comment: Variant summary: GJB2 c.9G>A (p.Trp3X) results in a premature termination codon, predicted to cause a truncation of the encoded protein or absence of the protein due to nonsense mediated decay, which are commonly known mechanisms for disease. Truncations downstream of this position have been classified as pathogenic by our laboratory. The variant was absent in 249290 control chromosomes (gnomAD). c.9G>A has been reported in the literature in multiple individuals affected with Non-Syndromic Hearing Loss (e.g. Dai_2009, Li_2014, Jung_2017, Yuan_2020). These data indicate that the variant is very likely to be associated with disease. Two ClinVar submitters (evaluation after 2014) cite the variant as pathogenic. Based on the evidence outlined above, the variant was classified as pathogenic.

Laboratory for Molecular Medicine, Mass General Brigham Personalized Medicine
Classification: Likely pathogenic for Rare genetic deafness. Last evaluated: 2008-10-08. Review status: criteria provided, single submitter. Criteria: LMM Criteria. Collection method: clinical testing. Allele origin: germline. Observed: 2 variant alleles.

Juno Genomics, Hangzhou Juno Genomics, Inc
Classification: Pathogenic for Autosomal recessive nonsyndromic hearing loss 1A. Review status: criteria provided, single submitter. Criteria: ACMG Guidelines, 2015. Collection method: clinical testing. Allele origin: germline. Affected: yes.
Comment: Absent from controls (or at extremely low frequency if recessive) in Genome Aggregation Database, Exome Sequencing Project, 1000 Genomes Project, or Exome Aggregation Consortium.;Null variant in a gene where loss of function (LOF) is a known mechanism of disease.;For recessive disorders, detected in trans with a pathogenic variant.

Genetic Testing Center for Deafness, Department of Otolaryngology Head & Neck Surgery, Institute of Otolaryngology, Chinese PLA General Hospital
Classification: Pathogenic for Autosomal recessive nonsyndromic hearing loss 1A. Last evaluated: 2019-02-26. Review status: no assertion criteria provided. Collection method: case-control. Allele origin: inherited. Affected: yes. Observed: 2 variant alleles. Not counted in ClinVar's aggregate classification.

Counsyl
Classification: Pathogenic for Autosomal recessive nonsyndromic hearing loss 1A. Last evaluated: 2017-03-28. Review status: no assertion criteria provided. Collection method: clinical testing. Allele origin: unknown. Not counted in ClinVar's aggregate classification.

Literature cited by the submitters: PubMed 26095810 (cited by Natera, Inc.); PubMed 21488715 (cited by Labcorp Genetics (formerly Invitae), Labcorp); PubMed 28383030 (cited by Labcorp Genetics (formerly Invitae), Labcorp and Women's Health and Genetics/Laboratory Corporation of America, LabCorp); PubMed 9529365 (cited by Labcorp Genetics (formerly Invitae), Labcorp); PubMed 12910486 (cited by Labcorp Genetics (formerly Invitae), Labcorp); PubMed 20863150 (cited by Labcorp Genetics (formerly Invitae), Labcorp); PubMed 19366456 (cited by Women's Health and Genetics/Laboratory Corporation of America, LabCorp and Counsyl); PubMed 25266519 (cited by Women's Health and Genetics/Laboratory Corporation of America, LabCorp); PubMed 31541171 (cited by Women's Health and Genetics/Laboratory Corporation of America, LabCorp); PubMed 15832357 (cited by Laboratory for Molecular Medicine, Mass General Brigham Personalized Medicine).